The following is an entry in ClinVar:

ClinVar aggregate classification (germline): Conflicting classifications of pathogenicity. Review status: criteria provided, conflicting classifications (1 of 4 stars). 4 submissions from 4 submitters: Uncertain significance (3); Likely benign (1). Last evaluated 2024-09-20.

Conditions:
Mucopolysaccharidosis, MPS-III-D (MPS3D). Also called: MPS IIID (Sanfilippo Syndrome Type D); MPS III D; Mucopoly-saccharidosis type 3D; N-acetylglucosamine-6-sulfate sulfatase deficiency; MPS 3D; MUCOPOLYSACCHARIDOSIS, TYPE IIID. Identifiers: Orphanet 581, Orphanet 79272, MedGen C0086650, MONDO:0009658, OMIM 252940.

Allele frequency attached by ClinVar (database versions not stated): ExAC 0.00008; 1000 Genomes Project 30x 0.00016; 1000 Genomes Project 0.00020; gnomAD 0.00005; TOPMed 0.00011; gnomAD exomes 0.00008.
gnomAD v4.1: 71 of 1,610,962 alleles (0.0044%); highest among the groups gnomAD compares: Middle Eastern, 0.05%; no homozygotes.

Submissions (4):

3billion
Classification: Likely benign for Mucopolysaccharidosis, MPS-III-D. Last evaluated: 2024-09-20. Review status: criteria provided, single submitter. Criteria: ACMG Guidelines, 2015. Collection method: clinical testing. Allele origin: germline. Affected: no.
Comment: The homozygous variant was found in patients diagnosed with another variant in a different gene, with no symptoms related to the gene containing the homozygous variant.

Labcorp Genetics (formerly Invitae), Labcorp
Classification: Uncertain significance for Mucopolysaccharidosis, MPS-III-D. Last evaluated: 2022-10-17. Review status: criteria provided, single submitter. Criteria: Invitae Variant Classification Sherloc (09022015). Collection method: clinical testing. Allele origin: germline.
Comment: This sequence change replaces proline, which is neutral and non-polar, with alanine, which is neutral and non-polar, at codon 532 of the GNS protein (p.Pro532Ala). This variant is present in population databases (rs202228620, gnomAD 0.03%). This variant has not been reported in the literature in individuals affected with GNS-related conditions. ClinVar contains an entry for this variant (Variation ID: 598985). Algorithms developed to predict the effect of missense changes on protein structure and function (SIFT, PolyPhen-2, Align-GVGD) all suggest that this variant is likely to be tolerated. In summary, the available evidence is currently insufficient to determine the role of this variant in disease. Therefore, it has been classified as a Variant of Uncertain Significance.

Fulgent Genetics
Classification: Uncertain significance for Mucopolysaccharidosis, MPS-III-D. Last evaluated: 2022-04-21. Review status: criteria provided, single submitter. Criteria: ACMG Guidelines, 2015. Collection method: clinical testing. Allele origin: unknown.

Center for Personalized Medicine, Children's Hospital Los Angeles
Classification: Uncertain significance. Last evaluated: 2018-11-19. Review status: criteria provided, single submitter. Criteria: ACMG Guidelines, 2015. Collection method: clinical testing. Allele origin: germline. Affected: yes.

NM_002076.4(GNS):c.1594C>G (p.Pro532Ala)

Gene: GNS (glucosamine (N-acetyl)-6-sulfatase; minus strand). Cytogenetic location: 12q14.3.
Variant type: single nucleotide variant.
Coding change: c.1594C>G on transcript NM_002076.4 (MANE Select); coding-DNA position 1594, C replaced by G.
Protein change: p.Pro532Ala; replaces proline 532 with alanine.
Molecular consequence: missense variant.
Genome position (GRCh38, 1-based): chr12:64,716,806, G>C on the plus strand (C>G on the coding strand, the complement: GNS is on the minus strand). VCF-style: chr12-64716806-G-C. GRCh37 (hg19) VCF-style: chr12-65110586-G-C.
Other names: short protein forms P532A.
Identifiers: ClinVar variation 598985 (VCV000598985.8), dbSNP rs202228620, ClinGen allele CA6669626.
Genomic context (GRCh38, chr12:64,716,806, plus strand): 5'-GAAGATGTTTGGAAAATCTTCGAGTCCTGACACTGCCGCGATTGCTGAACATGAGACGGG[G>C]GTCAAACCTGTATCTGGGGAGGAAAAACCAAATGTAACATTAGCTCTCACTAGCTTCTCA-3'
Protein context (NP_002067.1, residues 522-542): GVFDPGYRFD[Pro532Ala]RLMFSNRGSV